The following is an entry in ClinVar:

NM_007294.4(BRCA1):c.5075-1G>A

Gene: BRCA1 (BRCA1 DNA repair associated; minus strand). Cytogenetic location: 17q21.31.
Variant type: single nucleotide variant.
Coding change: c.5075-1G>A on transcript NM_007294.4 (MANE Select); the canonical splice acceptor site of the intron before coding-DNA position 5075, G replaced by A.
Molecular consequence: splice acceptor variant. On other transcripts: intron variant (2).
Genome position (GRCh38, 1-based): chr17:43,063,952, C>T on the plus strand (G>A on the coding strand, the complement: BRCA1 is on the minus strand). VCF-style: chr17-43063952-C-T. GRCh37 (hg19) VCF-style: chr17-41215969-C-T.
Other names: IVS17-1G>A; c.4742-1G>A (NM_001407946.1, NM_001407948.1, NM_001407947.1 and 1 more transcripts); c.1553-1G>A (NM_001408489.1, NM_001408482.1, NM_001408484.1 and 5 more transcripts); c.1556-1G>A (NM_001408479.1, NM_001408478.1, NM_001408480.1); c.4862-1G>A (NM_001407910.1, NM_001407904.1, NM_001407896.1 and 12 more transcripts); c.4865-1G>A (NM_001407884.1, NM_001407879.1, NM_001407882.1 and 5 more transcripts); c.5063-1G>A (NM_001407646.1); c.1637-1G>A (NM_001408445.1, NM_001408450.1, NM_001408447.1 and 2 more transcripts); and 74 more.
Identifiers: ClinVar variation 55377 (VCV000055377.63), dbSNP rs1800747, ClinGen allele CA003204.
Genomic context (GRCh38, chr17:43,063,952, plus strand): 5'-ATTTTCCTCCCGCAATTCCTAGAAAATATTTCAGTGTCCGTTCACACACAAACTCAGCAT[C>T]TGCAGAATGAAAAACACTCAAAGGATTAGAAGTTGAAAACAAAATCAGGAAGTGCTGTCC-3'

ClinVar aggregate classification (germline): Pathogenic/Likely pathogenic. Review status: criteria provided, multiple submitters, no conflicts (2 of 4 stars). 12 submissions from 12 submitters: Pathogenic (7); Likely pathogenic (2). 3 of the submissions do not count toward it. Last evaluated 2024-10-28.

Conditions:
Hereditary cancer-predisposing syndrome. Also called: Hereditary Cancer Syndrome; Tumor predisposition; Neoplastic Syndromes, Hereditary; Hereditary neoplastic syndrome. Identifiers: Orphanet 140162, MedGen C0027672, MeSH D009386, MONDO:0015356.
Breast neoplasm. Also called: Breast Neoplasms; Neoplasm of the breast; Neoplasm of breast; Breast tumor. Identifiers: MedGen C1458155, MeSH D001943, MONDO:0021100, HP:0100013. Disease mechanism: gain of function.
Hereditary breast ovarian cancer syndrome. Also called: Breast and ovarian cancer; BRCA1- and BRCA2-Associated Hereditary Breast and Ovarian Cancer; Hereditary breast and ovarian cancer; Hereditary breast and ovarian cancer syndrome (HBOC); Hereditary breast and ovarian cancer syndrome; Hereditary breast and/or ovarian cancer syndrome. Identifiers: Orphanet 145, MedGen C0677776, MeSH D061325, MONDO:0003582. Disease mechanism: loss of function.
Breast-ovarian cancer, familial, susceptibility to, 1 (BROVCA1). Also called: BRCA1 Hereditary Breast and Ovarian Cancer; OVARIAN CANCER, SUSCEPTIBILITY TO. Identifiers: Orphanet 145, MedGen C2676676, MONDO:0011450, OMIM 604370. Disease mechanism: loss of function.
Familial cancer of breast. Also called: BREAST CANCER, FAMILIAL; hereditary breast carcinoma; Hereditary breast cancer. Identifiers: Orphanet 227535, MedGen C0346153, MONDO:0016419, OMIM 114480. Disease mechanism: loss of function.

Allele frequency attached by ClinVar (database versions not stated): TOPMed below 0.00001.

Submissions (13):

Ambry Genetics
Classification: Pathogenic for Hereditary cancer-predisposing syndrome. Last evaluated: 2024-10-28. Review status: criteria provided, single submitter. Criteria: Ambry Variant Classification Scheme 2023. Collection method: clinical testing. Allele origin: germline.
Comment: The c.5075-1G>A intronic variant results from a G to A substitution one nucleotide upstream from coding exon 16 of the BRCA1 gene. This alteration has been reported in individuals of various ethnic backgrounds with personal and/or family history of breast, ovarian, and/or prostate cancer (Frank TS et al. J. Clin. Oncol., 2002 Mar;20:1480-90; Jara L et al. Cancer Genet. Cytogenet., 2006 Apr;166:36-45; Pritchard CC et al. N. Engl. J. Med., 2016 Aug;375:443-53; Apessos A et al. Cancer Genet, 2018 01;220:1-12; Wang YA et al. BMC Cancer, 2018 03;18:315; Machackova E et al. Klin Onkol, 2019;32:51-71). One functional study found that this nucleotide substitution is deleterious in a high throughput genome editing haploid cell survival assay (Findlay GM et al. Nature, 2018 10;562:217-222). Of note, this alteration is also designated as IVS17-1G>A in published literature. This nucleotide position is highly conserved in available vertebrate species. In silico splice site analysis predicts that this alteration will weaken the native splice acceptor site. A close match alteration, BRCA1 c.5075-2A>G causes aberrant coding exon 16 skipping (called exon 18 in some literature-Houdayer C et al. Hum. Mutat., 2012 Aug;33:1228-38; Wappenschmidt B et al. PLoS ONE, 2012 Dec;7:e50800). This variant is considered to be rare based on population cohorts in the Genome Aggregation Database (gnomAD). Alterations that disrupt the canonical splice site are expected to cause aberrant splicing, resulting in an abnormal protein or a transcript that is subject to nonsense-mediated mRNA decay. Based on the majority of available evidence to date, this variant is classified as a disease-causing mutation.

Labcorp Genetics (formerly Invitae), Labcorp
Classification: Pathogenic for Hereditary breast ovarian cancer syndrome. Last evaluated: 2023-11-29. Review status: criteria provided, single submitter. Criteria: Invitae Variant Classification Sherloc (09022015). Collection method: clinical testing. Allele origin: germline.
Comment: This sequence change affects an acceptor splice site in intron 16 of the BRCA1 gene. It is expected to disrupt RNA splicing. Variants that disrupt the donor or acceptor splice site typically lead to a loss of protein function (PMID: 16199547), and loss-of-function variants in BRCA1 are known to be pathogenic (PMID: 20104584). This variant is not present in population databases (gnomAD no frequency). Disruption of this splice site has been observed in individual(s) with clinical features of BRCA1-related conditions (PMID: 12402332, 27433846, 29566657). This variant is also known as IVS17-1G>A. ClinVar contains an entry for this variant (Variation ID: 55377). Algorithms developed to predict the effect of variants on protein structure and function are not available or were not evaluated for this variant. Experimental studies have shown that disruption of this splice site affects BRCA1 function (PMID: 30209399). Studies have shown that disruption of this splice site alters mRNA splicing and is expected to lead to the loss of protein expression (PMID: 24667779). For these reasons, this variant has been classified as Pathogenic.

Baylor Genetics
Classification: Pathogenic for Breast-ovarian cancer, familial, susceptibility to, 1. Last evaluated: 2023-03-14. Review status: criteria provided, single submitter. Criteria: ACMG Guidelines, 2015. Collection method: clinical testing. Allele origin: unknown.

Color Diagnostics, LLC DBA Color Health
Classification: Likely pathogenic for Hereditary cancer-predisposing syndrome. Last evaluated: 2021-11-09. Review status: criteria provided, single submitter. Criteria: ACMG Guidelines, 2015. Collection method: clinical testing. Allele origin: germline.
Comment: This variant causes a G to A nucleotide substitution at the -1 position of intron 16 of the BRCA1 gene. Splice site prediction tools predict that this variant may have a significant impact on RNA splicing. A functional study has reported that this variant impacts BRCA1 function in a haploid human cell proliferation assay (PMID: 30209399). This variant has been detected in three individuals affected with breast cancer (PMID: 16616110; Color internal data) and additional families suspected of hereditary breast and ovarian cancer (PMID: 12402332, 29310832, 29566657). Other canonical splice acceptor site variants in intron 16 have been reported as disease-causing in ClinVar (variation ID 55378, 55379, 55380, 125759, 252381) and reported in individuals or families affected with breast or ovarian cancer (PMID: 29446198, 30287823). This variant has not been identified in the general population by the Genome Aggregation Database (gnomAD). Loss of BRCA1 function is a known mechanism of disease. Based on the available evidence, this variant is classified as Likely Pathogenic.

CeGaT Center for Human Genetics Tuebingen
Classification: Pathogenic. Last evaluated: 2020-08-01. Review status: criteria provided, single submitter. Criteria: CeGaT Center For Human Genetics Tuebingen Variant Classification Criteria Version 2. Collection method: clinical testing. Allele origin: germline. Affected: yes. Observed: 1 variant allele.

GeneKor MSA
Classification: Pathogenic for Hereditary Breast Carcinoma. Last evaluated: 2020-01-01. Review status: criteria provided, single submitter. Criteria: ACMG Guidelines, 2015. Collection method: clinical testing. Allele origin: germline. Affected: yes.
Comment: This variant is a substitution of the last nucleotide of intron 17 of the BRCA gene. This particular position is highly conserved in human as well as in other genomes. It is expected that this variant affects the correct mRNA splicing and results in the deletion of an entire exon. This causes the formation of a truncated non functional protein. This mutation has been described in breast cancer patients (PMID: 16616110). This particular variant has been described in the mutation database ClinVar (Variation ID: 55377/)

Laboratory for Molecular Medicine, Mass General Brigham Personalized Medicine
Classification: Likely pathogenic for Hereditary breast ovarian cancer syndrome. Last evaluated: 2019-02-01. Review status: criteria provided, single submitter. Criteria: LMM Criteria. Collection method: clinical testing. Allele origin: germline. Inheritance: Autosomal dominant inheritance. Observed: 2 variant alleles.
Comment: proposed classification - variant undergoing re-assessment, contact laboratory

GeneDx
Classification: Pathogenic. Last evaluated: 2018-06-25. Review status: criteria provided, single submitter. Criteria: GeneDx Variant Classification (06012015). Collection method: clinical testing. Allele origin: germline. Affected: yes.
Comment: This variant is denoted BRCA1 c.5075-1G>A or IVS16-1G>A and consists of a G>A nucleotide substitution at the -1 position of intron 16 of the BRCA1 gene. The variant destroys a canonical splice acceptor site and is predicted to cause abnormal gene splicing, leading to either an abnormal message that is subject to nonsense-mediated mRNA decay or to an abnormal protein product. This variant, also known as BRCA1 5194-1G>A and IVS17-1G>A using alternate nomenclature, has been reported in individuals suspected of having hereditary breast/ovarian cancer as well as in at least one individual with metastatic prostate cancer (Jara 2006, Pritchard 2016, Apessos 2018, Wang 2018). We consider this variant to be pathogenic.

Yang An-Suei Laboratory, Academia Sinica
Classification: Pathogenic for breast cancer. Review status: criteria provided, single submitter. Criteria: Submitter's publication. Collection method: research. Allele origin: germline.

Counsyl
Classification: Likely pathogenic for Breast-ovarian cancer, familial, susceptibility to, 1. Last evaluated: 2017-05-04. Review status: no assertion criteria provided. Collection method: clinical testing. Allele origin: unknown. Not counted in ClinVar's aggregate classification.

Research Molecular Genetics Laboratory, Women's College Hospital, University of Toronto
Classification: Pathogenic for Hereditary breast ovarian cancer syndrome. Last evaluated: 2014-01-31. Review status: no assertion criteria provided. Collection method: research. Allele origin: germline. Affected: yes. Study: The Canadian Open Genetics Repository (COGR). Not counted in ClinVar's aggregate classification.

Breast Cancer Information Core (BIC) (BRCA1)
Classification: Pathogenic for Breast-ovarian cancer, familial 1. Last evaluated: 1999-06-22. Review status: no assertion criteria provided. Collection method: clinical testing. Allele origin: germline. Affected: yes. Observed: 1 variant allele. Not counted in ClinVar's aggregate classification.

Brotman Baty Institute, University of Washington
No classification provided (evidence only). Condition: Breast-ovarian cancer, familial 1. Review status: no classification provided. Collection method: in vitro. Allele origin: not applicable. Functional consequence: functionally_abnormal. Not counted in ClinVar's aggregate classification.
ClinVar note: "not provided" was previously submitted as the classification for the variant. However, the classification appeared to be based only on an observation of functional data so it was converted to no classification on 2025-07-30.

Literature cited by the submitters: PubMed 11896095 (cited by Ambry Genetics and Laboratory for Molecular Medicine, Mass General Brigham Personalized Medicine); PubMed 12402332 (cited by 4 submitters); PubMed 16616110 (cited by 3 submitters); PubMed 20859677 (cited by 3 submitters); PubMed 22505045 (cited by Ambry Genetics); PubMed 23239986 (cited by Ambry Genetics); PubMed 25525159 (cited by Ambry Genetics); PubMed 27433846 (cited by 4 submitters); PubMed 29310832 (cited by Ambry Genetics and Color Diagnostics, LLC DBA Color Health); PubMed 29566657 (cited by 3 submitters); PubMed 30209399 (cited by 3 submitters); PubMed 31159747 (cited by Ambry Genetics); PubMed 31209999 (cited by Ambry Genetics); PubMed 31409081 (cited by Ambry Genetics); PubMed 16199547 (cited by Labcorp Genetics (formerly Invitae), Labcorp); PubMed 20104584 (cited by Labcorp Genetics (formerly Invitae), Labcorp); PubMed 24667779 (cited by Labcorp Genetics (formerly Invitae), Labcorp); PubMed 29446198 (cited by Color Diagnostics, LLC DBA Color Health); PubMed 30287823 (cited by Color Diagnostics, LLC DBA Color Health); PubMed 2152385 (cited by Counsyl).